The following is an entry in ClinVar:

NM_024334.3(TMEM43):c.121A>G (p.Met41Val)

Gene: TMEM43 (transmembrane protein 43; plus strand). Cytogenetic location: 3p25.1.
Variant type: single nucleotide variant.
Coding change: c.121A>G on transcript NM_024334.3 (MANE Select); coding-DNA position 121, A replaced by G.
Protein change: p.Met41Val; replaces methionine 41 with valine.
Molecular consequence: missense variant.
Genome position (GRCh38, 1-based): chr3:14,129,520, A>G. VCF-style: chr3-14129520-A-G. GRCh37 (hg19) VCF-style: chr3-14171020-A-G.
Other names: short protein forms M41V.
Identifiers: ClinVar variation 191780 (VCV000191780.25), dbSNP rs144334386, ClinGen allele CA024600.
Genomic context (GRCh38, chr3:14,129,520, plus strand): 5'-TCCCAGCCAGGCTTCCTGGAACGGCTGAGCGAGACCTCGGGTGGGATGTTTGTGGGGCTC[A>G]TGGCCTTCCTGCTCTCCTTCTACCTAATTTTCACCAATGAGGTAAAATGTCTGGGGTCTT-3'
Protein context (NP_077310.1, residues 31-51): ETSGGMFVGL[Met41Val]AFLLSFYLIF

ClinVar aggregate classification (germline): Conflicting classifications of pathogenicity. Review status: criteria provided, conflicting classifications (1 of 4 stars). 14 submissions from 14 submitters: Uncertain significance (9); Likely benign (1). 4 of the submissions do not count toward it. Last evaluated 2025-12-08.

Conditions:
TMEM43-related disorder. Also called: TMEM43-related condition.
Arrhythmogenic right ventricular dysplasia 5. Also called: Arrhythmogenic Right Ventricular Dysplasia/Cardiomyopathy 5; ARRHYTHMOGENIC RIGHT VENTRICULAR DYSPLASIA, FAMILIAL, 5. Identifiers: MedGen C1858379, MONDO:0011459, OMIM 604400.
Emery-Dreifuss muscular dystrophy 7, autosomal dominant (EDMD7). Also called: Emery-Dreifuss muscular dystrophy 7, AD. Identifiers: Orphanet 261, MedGen C3553060, MONDO:0013677, OMIM 614302.
Auditory neuropathy, autosomal dominant 3 (AUNA3). Identifiers: MedGen C5676964, MONDO:0859235, OMIM 619832.
Cardiovascular phenotype. Identifiers: MedGen CN230736.
Cardiomyopathy (CMYO). Also called: Cardiomyopathies. Identifiers: Orphanet 167848, MedGen C0878544, MONDO:0004994, HP:0001638. Inheritance: Various modes of inheritance.

Allele frequency attached by ClinVar (database versions not stated): gnomAD 0.00004; TOPMed 0.00004; ExAC 0.00005; gnomAD exomes 0.00005 and 0.00006; ESP Exome Variant Server 0.00008.
gnomAD v4.1: 94 of 1,613,526 alleles (0.0058%); highest among the groups gnomAD compares: Non-Finnish European, 0.0078%; no homozygotes.

Submissions (14):

Labcorp Genetics (formerly Invitae), Labcorp
Classification: Uncertain significance for Arrhythmogenic right ventricular dysplasia 5. Last evaluated: 2025-12-08. Review status: criteria provided, single submitter. Criteria: Invitae Variant Classification Sherloc (09022015). Collection method: clinical testing. Allele origin: germline.
Comment: This sequence change replaces methionine, which is neutral and non-polar, with valine, which is neutral and non-polar, at codon 41 of the TMEM43 protein (p.Met41Val). This variant is present in population databases (rs144334386, gnomAD 0.009%). This missense change has been observed in individual(s) with family history of coronary artery disease and sudden death (PMID: 20435227). ClinVar contains an entry for this variant (Variation ID: 191780). Invitae Evidence Modeling of protein sequence and biophysical properties (such as structural, functional, and spatial information, amino acid conservation, physicochemical variation, residue mobility, and thermodynamic stability) indicates that this missense variant is not expected to disrupt TMEM43 protein function with a negative predictive value of 80%. In summary, the available evidence is currently insufficient to determine the role of this variant in disease. Therefore, it has been classified as a Variant of Uncertain Significance.

PreventionGenetics, part of Exact Sciences
Classification: Uncertain significance for TMEM43-related condition. Last evaluated: 2025-08-11. Review status: criteria provided, single submitter. Criteria: ACMG Guidelines, 2015. Collection method: clinical testing. Allele origin: germline.
Comment: The TMEM43 c.121A>G variant is predicted to result in the amino acid substitution p.Met41Val. To our knowledge, this variant has not been reported in the literature. This variant is reported in 0.0093% of alleles in individuals of European (Non-Finnish) descent in gnomAD. At this time, the clinical significance of this variant is uncertain due to the absence of conclusive functional and genetic evidence.

Color Diagnostics, LLC DBA Color Health
Classification: Uncertain significance for Cardiomyopathy. Last evaluated: 2024-02-05. Review status: criteria provided, single submitter. Criteria: ACMG Guidelines, 2015. Collection method: clinical testing. Allele origin: germline.
Comment: This missense variant replaces methionine with valine at codon 41 of the TMEM43 protein. Computational prediction suggests that this variant may not impact protein structure and function (internally defined REVEL score threshold <= 0.5, PMID: 27666373). To our knowledge, functional studies have not been reported for this variant. This variant has been reported in one individual with a family history of vascular disease and early sudden death (PMID: 20435227). This variant has been identified in 14/282646 chromosomes in the general population by the Genome Aggregation Database (gnomAD). The available evidence is insufficient to determine the role of this variant in disease conclusively. Therefore, this variant is classified as a Variant of Uncertain Significance.

All of Us Research Program, National Institutes of Health
Classification: Uncertain significance for Arrhythmogenic right ventricular dysplasia 5. Last evaluated: 2023-12-01. Review status: criteria provided, single submitter. Criteria: ACMG Guidelines, 2015. Collection method: clinical testing. Allele origin: germline. Inheritance: Autosomal dominant inheritance. Observed: 15 variant alleles, 15 heterozygotes.
Comment: This missense variant replaces methionine with valine at codon 41 of the TMEM43 protein. Computational prediction suggests that this variant may not impact protein structure and function (internally defined REVEL score threshold <= 0.5, PMID: 27666373). To our knowledge, functional studies have not been reported for this variant. This variant has been reported in one individual with a family history of vascular disease and early sudden death (PMID: 20435227). This variant has been identified in 14/282646 chromosomes in the general population by the Genome Aggregation Database (gnomAD). The available evidence is insufficient to determine the role of this variant in disease conclusively. Therefore, this variant is classified as a Variant of Uncertain Significance.

This study involves interpretation of variants in research participants for the purpose of population health screening. Participant phenotype was not available at the time of variant classification. Additional details can be found in publication PMID: 35346344, PMCID: PMC8962531

GeneDx
Classification: Uncertain significance. Last evaluated: 2022-09-20. Review status: criteria provided, single submitter. Criteria: GeneDx Variant Classification Process June 2021. Collection method: clinical testing. Allele origin: germline. Affected: yes.
Comment: Identified with whole genome sequencing in one individual with a family history of vascular disease and early sudden death (Ashley et al., 2010); In silico analysis supports that this missense variant does not alter protein structure/function; This variant is associated with the following publications: (PMID: 20435227)

Victorian Clinical Genetics Services, Murdoch Childrens Research Institute
Classification: Uncertain significance for Arrhythmogenic right ventricular dysplasia 5. Last evaluated: 2022-09-02. Review status: criteria provided, single submitter. Criteria: ACMG Guidelines, 2015. Collection method: clinical testing. Allele origin: germline. Inheritance: Autosomal dominant inheritance. Affected: yes.
Comment: Based on the classification scheme VCGS_Germline_v1.3.4, this variant is classified as VUS-3C. Following criteria are met: 0105 - The mechanism of disease for this gene is not clearly established. Loss-of-function is a suspected mechanism (PMID: 25343256). (I) 0107 - This gene is associated with autosomal dominant disease. (I) 0200 - Variant is predicted to result in a missense amino acid change from methionine to valine. (I) 0251 - This variant is heterozygous. (I) 0302 - Variant is present in gnomAD (v2) <0.001 for a dominant condition (14 heterozygotes, 0 homozygotes). (SP) 0504 - Same amino acid change has been observed in a primate. (SB) 0604 - Variant is not located in an established domain, motif, hotspot or informative constraint region. (I) 0705 - No comparable variants have previous evidence for pathogenicity. (I) 0808 - Previous reports of pathogenicity for this variant are conflicting (ClinVar, LOVD, PMID: 20435227, PMID: 23861362). (I) 0905 - No published segregation evidence has been identified for this variant. (I) 1007 - No published functional evidence has been identified for this variant. (I) 1208 - Inheritance information for this variant is not currently available in this individual. (I) Legend: (SP) - Supporting pathogenic, (I) - Information, (SB) - Supporting benign

Ambry Genetics
Classification: Likely benign for Cardiovascular phenotype. Last evaluated: 2022-07-19. Review status: criteria provided, single submitter. Criteria: Ambry Variant Classification Scheme 2023. Collection method: clinical testing. Allele origin: germline.

Fulgent Genetics
Classification: Uncertain significance for Arrhythmogenic right ventricular dysplasia 5; Emery-Dreifuss muscular dystrophy 7, autosomal dominant; Auditory neuropathy, autosomal dominant 3. Last evaluated: 2021-08-10. Review status: criteria provided, single submitter. Criteria: ACMG Guidelines, 2015. Collection method: clinical testing. Allele origin: unknown.

CHEO Genetics Diagnostic Laboratory, Children's Hospital of Eastern Ontario
Classification: Uncertain significance for Cardiomyopathy. Last evaluated: 2017-05-10. Review status: criteria provided, single submitter. Criteria: ACMG Guidelines, 2015. Collection method: clinical testing. Allele origin: germline. Study: Canadian Open Genetics Repository.

Biesecker Lab/Clinical Genomics Section, National Institutes of Health
Classification: Uncertain significance. Last evaluated: 2013-06-24. Review status: criteria provided, single submitter. Criteria: Ng et al. (Circ Cardiovasc Genet. 2013). Collection method: research. Allele origin: unknown. Observed: 1 variant allele. Study: ClinSeq.
Comment: The study set was not selected for affection status in relation to any cancer. Pathogenicity categories were based on literature curation. See Pubmed ID:23861362 for details.

Medical sequencing

Clinical Genetics DNA and cytogenetics Diagnostics Lab, Erasmus MC, Erasmus Medical Center
Classification: Likely benign. Review status: no assertion criteria provided. Collection method: clinical testing. Allele origin: germline. Affected: yes. Study: VKGL Data-share Consensus. Not counted in ClinVar's aggregate classification.

Clinical Genetics, Academic Medical Center
Classification: Likely benign. Review status: no assertion criteria provided. Collection method: clinical testing. Allele origin: germline. Affected: yes. Study: VKGL Data-share Consensus. Not counted in ClinVar's aggregate classification.

Genome Diagnostics Laboratory, University Medical Center Utrecht
Classification: Likely benign. Review status: no assertion criteria provided. Collection method: clinical testing. Allele origin: germline. Affected: yes. Study: VKGL Data-share Consensus. Not counted in ClinVar's aggregate classification.

Joint Genome Diagnostic Labs from Nijmegen and Maastricht, Radboudumc and MUMC+
Classification: Likely benign. Review status: no assertion criteria provided. Collection method: clinical testing. Allele origin: germline. Affected: yes. Study: VKGL Data-share Consensus. Not counted in ClinVar's aggregate classification.

Literature cited by the submitters: PubMed 20435227 (cited by 5 submitters); PubMed 23861362 (cited by Victorian Clinical Genetics Services, Murdoch Childrens Research Institute and Ambry Genetics); PubMed 25343256 (cited by Victorian Clinical Genetics Services, Murdoch Childrens Research Institute).